The following is an entry in ClinVar:

NM_000138.5(FBN1):c.7003C>T (p.Arg2335Trp)

Gene: FBN1 (fibrillin 1; minus strand). Cytogenetic location: 15q21.1.
Variant type: single nucleotide variant.
Coding change: c.7003C>T on transcript NM_000138.5 (MANE Select); coding-DNA position 7003, C replaced by T.
Protein change: p.Arg2335Trp; replaces arginine 2335 with tryptophan.
Molecular consequence: missense variant.
Genome position (GRCh38, 1-based): chr15:48,427,768, G>A on the plus strand (C>T on the coding strand, the complement: FBN1 is on the minus strand). VCF-style: chr15-48427768-G-A. GRCh37 (hg19) VCF-style: chr15-48719965-G-A.
Other names: NM_000138.5(FBN1):c.7003C>T; p.Arg2335Trp; short protein forms R2335W.
Identifiers: ClinVar variation 200100 (VCV000200100.26), dbSNP rs794728262, ClinGen allele CA016924.

ClinVar aggregate classification (germline): Likely pathogenic. Review status: reviewed by expert panel (3 of 4 stars). 9 submissions from 9 submitters: Likely pathogenic (1). 8 of the submissions do not count toward it. Last evaluated 2022-12-01.

Conditions:
Cardiovascular phenotype. Identifiers: MedGen CN230736.
Marfan syndrome (MFS). Also called: Marfan syndrome type 1; Marfan's syndrome; Marfan syndrome, classic; FBN1-Related Marfan Syndrome; MARFAN SYNDROME, TYPE I. Identifiers: Orphanet 284963, Orphanet 558, MedGen C0024796, MONDO:0007947, OMIM 154700.
Familial thoracic aortic aneurysm and aortic dissection (TAAD). Also called: Thoracic aortic aneurysms and dissections. Identifiers: Orphanet 91387, MedGen C4707243, MONDO:0019625.

gnomAD v4.1: 4 of 1,613,678 alleles (0.00025%); highest among the groups gnomAD compares: Non-Finnish European, 0.00017%; no homozygotes.

Submissions (9):

ClinGen FBN1 Variant Curation Expert Panel, ClinGen
Classification: Likely pathogenic for Marfan syndrome. Last evaluated: 2022-12-01. Review status: reviewed by expert panel. Criteria: Assertion Criteria VCEP FBN1 Version 1. Collection method: curation. Allele origin: germline. Inheritance: Autosomal dominant inheritance.
Comment: NM_00138 c.7003C>T is a missense variant in FBN1 predicted to cause a substitution of an Arginine by Tryptophan at amino acid 2335 (p.Arg2335Trp). It has been reported 2 times in the literature in individuals with ectopia lentis but who did not meet revised Ghent criteria for Marfan syndrome (PMID: 29357934; PMID: 12203992) (PS4_moderate). This variant is not present in gnomAD v2.1.1 (PM2_supporting). Computational prediction tools and conservation analysis suggest that this variant may impact the protein structure (REVEL: 0.841) (PP3). The constraint z-score for missense variants affecting FBN1 is 5.06 (PP2). In summary, this variant meets criteria to be classified as likely pathogenic for Marfan syndrome based on the ACMG/AMP criteria applied, as specified by the ClinGen FBN1 VCEP: PP1_strong, PS4_moderate, PM2_supporting, PP2, PP3.

Molecular Diagnostic Laboratory for Inherited Cardiovascular Disease, Montreal Heart Institute
Classification: Likely pathogenic for Cardiovascular phenotype. Last evaluated: 2026-08-27. Review status: criteria provided, single submitter. Criteria: ACMG Guidelines, 2015. Collection method: clinical testing. Allele origin: germline. Affected: yes. Not counted in ClinVar's aggregate classification.
Comment: PS4_mod,PM2,PP2,PP3,PP4.

Labcorp Genetics (formerly Invitae), Labcorp
Classification: Pathogenic for Marfan syndrome; Familial thoracic aortic aneurysm and aortic dissection. Last evaluated: 2025-11-12. Review status: criteria provided, single submitter. Criteria: Invitae Variant Classification Sherloc (09022015). Collection method: clinical testing. Allele origin: germline. Not counted in ClinVar's aggregate classification.
Comment: This sequence change replaces arginine, which is basic and polar, with tryptophan, which is neutral and slightly polar, at codon 2335 of the FBN1 protein (p.Arg2335Trp). This variant is not present in population databases (gnomAD no frequency). This missense change has been observed in individuals with clinical features of Marfan syndrome (PMID: 12203992, 29357934; internal data). It has also been observed to segregate with disease in related individuals. ClinVar contains an entry for this variant (Variation ID: 200100). Invitae Evidence Modeling of protein sequence and biophysical properties (such as structural, functional, and spatial information, amino acid conservation, physicochemical variation, residue mobility, and thermodynamic stability) indicates that this missense variant is expected to disrupt FBN1 protein function with a positive predictive value of 95%. For these reasons, this variant has been classified as Pathogenic.

Color Diagnostics, LLC DBA Color Health
Classification: Likely pathogenic for Familial thoracic aortic aneurysm and aortic dissection. Last evaluated: 2025-06-02. Review status: criteria provided, single submitter. Criteria: ACMG Guidelines, 2015. Collection method: clinical testing. Allele origin: germline. Not counted in ClinVar's aggregate classification.
Comment: This missense variant replaces arginine with tryptophan at codon 2335 in the TGFbeta-like domain of the FBN1 protein. Computational prediction suggests that this variant may have a deleterious impact on protein structure and function. To our knowledge, functional studies have not been reported for this variant. This variant has been reported in individuals affected with Marfan syndrome and with thoracic aortic aneurysm and aortic dissection (PMID: 36517271ClinVar SCV003762201.2). It has been shown that this variant segregates with disease in multiple affected individuals in one family (ClinVar SCV003762201.2). This variant has also been reported in two individuals suspected to be affected with Marfan syndrome (PMID: 12203992, 29357934). This variant has also been reported in homozygous state in at least two unrelated individuals affected with Marfan syndrome (PMID: 20135580, 35008861, 36449672). This variant has not been identified in the general population by the Genome Aggregation Database (gnomAD). Based on the available evidence, this variant is classified as Likely Pathogenic.

Ambry Genetics
Classification: Likely pathogenic for Familial thoracic aortic aneurysm and aortic dissection. Last evaluated: 2025-02-21. Review status: criteria provided, single submitter. Criteria: Ambry Variant Classification Scheme 2023. Collection method: clinical testing. Allele origin: germline. Not counted in ClinVar's aggregate classification.
Comment: The p.R2335W variant (also known as c.7003C>T), located in coding exon 57 of the FBN1 gene, results from a C to T substitution at nucleotide position 7003. The arginine at codon 2335 is replaced by tryptophan, an amino acid with dissimilar properties. This variant was identified in one or more individuals with features consistent with Marfan syndrome and segregated with disease in at least one family (Katzke S et al. Hum Mutat, 2002 Sep;20:197-208; Ambry internal data; external communication). This amino acid position is highly conserved in available vertebrate species. In addition, this alteration is predicted to be deleterious by in silico analysis. Based on the majority of available evidence to date, this variant is likely to be pathogenic.

All of Us Research Program, National Institutes of Health
Classification: Likely pathogenic for Marfan syndrome. Last evaluated: 2023-06-26. Review status: criteria provided, single submitter. Criteria: ACMG Guidelines, 2015. Collection method: clinical testing. Allele origin: germline. Inheritance: Autosomal dominant inheritance. Observed: 1 variant allele, 1 heterozygote. Not counted in ClinVar's aggregate classification.
Comment: This missense variant replaces arginine with tryptophan at codon 2335 in the TGFbeta-like domain of the FBN1 protein. Computational prediction suggests that this variant may have deleterious impact on protein structure and function (internally defined REVEL score threshold >= 0.7, PMID: 27666373). To our knowledge, functional studies have not been reported for this variant. This variant has been reported in homozygous state in at least two unrelated individuals affected with Marfan syndrome (PMID: 20135580, 35008861, 36449672), and in heterozygous state in two unrelated individuals affected with thoracic aortic aneurysm and aortic dissection (PMID: 36517271, ClinVar SCV003762201.2) and in two individuals suspected of having Marfan syndrome (PMID: 12203992, 29357934). It has been reported that this variant segregates with disease in one of the families (ClinVar SCV003762201.2). This variant has not been identified in the general population by the Genome Aggregation Database (gnomAD). Based on the available evidence, this variant is classified as Likely Pathogenic.

This study involves interpretation of variants in research participants for the purpose of population health screening. Participant phenotype was not available at the time of variant classification. Additional details can be found in publication PMID: 35346344, PMCID: PMC8962531

Women's Health and Genetics/Laboratory Corporation of America, LabCorp
Classification: Uncertain significance. Last evaluated: 2018-09-04. Review status: criteria provided, single submitter. Criteria: LabCorp Variant Classification Summary - May 2015. Collection method: clinical testing. Allele origin: germline. Not counted in ClinVar's aggregate classification.
Comment: Variant summary: FBN1 c.7003C>T (p.Arg2335Trp) results in a non-conservative amino acid change in the encoded protein sequence. Five of five in-silico tools predict a damaging effect of the variant on protein function. The variant was absent in 245130 control chromosomes. c.7003C>T has been reported in the literature in individuals affected with Marfan Syndrome. The younger brother of the proband also developed symptoms of MFS, though his genotype was not reported (Voermans_2009). These data indicate that the variant may be a mild mutation associated with disease. To our knowledge, no experimental evidence demonstrating an impact on protein function has been reported. One clinical diagnostic laboratory has submitted clinical-significance assessments for this variant to ClinVar after 2014 without evidence for independent evaluation and classified the variant as uncertain significance. Based on the evidence outlined above, the variant was classified as VUS-possibly pathogenic.

Baylor-Hopkins Center for Mendelian Genomics, Johns Hopkins University School of Medicine
Classification: Likely pathogenic for Marfan syndrome. Review status: criteria provided, single submitter. Criteria: ACMG Guidelines, 2015. Collection method: research. Allele origin: germline. Affected: yes. Observed: 2 variant alleles, 2 heterozygotes. Not counted in ClinVar's aggregate classification.

Center for Medical Genetics Ghent, University of Ghent
Classification: Uncertain significance for Marfan syndrome. Last evaluated: 2017-11-07. Review status: no assertion criteria provided. Collection method: clinical testing. Allele origin: germline. Affected: yes. Not counted in ClinVar's aggregate classification.

Literature cited by the submitters: PubMed 12203992 (cited by 5 submitters); PubMed 29357934 (cited by 4 submitters); PubMed 20135580 (cited by Color Diagnostics, LLC DBA Color Health and All of Us Research Program, National Institutes of Health); PubMed 35008861 (cited by 3 submitters); PubMed 36449672 (cited by Color Diagnostics, LLC DBA Color Health and All of Us Research Program, National Institutes of Health); PubMed 36517271 (cited by Color Diagnostics, LLC DBA Color Health and All of Us Research Program, National Institutes of Health); PubMed 16342915 (cited by Ambry Genetics and Women's Health and Genetics/Laboratory Corporation of America, LabCorp); PubMed 32123317 (cited by Ambry Genetics).